The following is an entry in ClinVar:

NM_013292.5(MYL11):c.487G>A (p.Gly163Ser)

Genes: MYL11 (myosin light chain 11; plus strand), LOC112441444 (Sharpr-MPRA regulatory region 9884; plus strand). Cytogenetic location: 16p11.2.
Variant type: single nucleotide variant.
Coding change: c.487G>A on transcript NM_013292.5 (MANE Select); coding-DNA position 487, G replaced by A.
Protein change: p.Gly163Ser; replaces glycine 163 with serine.
Molecular consequence: missense variant.
Genome position (GRCh38, 1-based): chr16:30,377,877, G>A. VCF-style: chr16-30377877-G-A. GRCh37 (hg19) VCF-style: chr16-30389198-G-A.
Other names: c.487G>A (NM_001324459.1); c.487G>A, p.Gly163Ser (NM_001324458.2, NM_001324459.2); short protein forms G163S.
Identifiers: ClinVar variation 916687 (VCV000916687.3), dbSNP rs2049768364, ClinGen allele CA395542107.

ClinVar aggregate classification (germline): Likely pathogenic. Review status: criteria provided, single submitter (1 of 4 stars). 3 submissions from 3 submitters: Likely pathogenic (1). 2 of the submissions do not count toward it. Last evaluated 2025-05-15.

Conditions:
Arthrogryposis, distal, type 1C. Identifiers: MedGen C5436834, MONDO:0030847, OMIM 619110.
Distal arthrogryposis. Identifiers: Orphanet 97120, MedGen C0265213, MONDO:0019942, HP:0005684.
MYL11-related condition.

Submissions (3):

PreventionGenetics, part of Exact Sciences
Classification: Likely pathogenic for MYL11-related condition. Last evaluated: 2025-05-15. Review status: criteria provided, single submitter. Criteria: ACMG Guidelines, 2015. Collection method: clinical testing. Allele origin: germline.
Comment: The MYL11 c.487G>A variant is predicted to result in the amino acid substitution p.Gly163Ser. This variant has not been reported in a large population database (gnomAD), indicating this variant is rare. This variant is interpreted as likely pathogenic.

OMIM
Classification: Pathogenic for ARTHROGRYPOSIS, DISTAL, TYPE 1C. Last evaluated: 2020-11-30. Review status: no assertion criteria provided. Collection method: literature only. Allele origin: germline. Not counted in ClinVar's aggregate classification.

University of Washington Center for Mendelian Genomics, University of Washington
Classification: Likely pathogenic for Distal arthrogryposis. Review status: no assertion criteria provided. Collection method: research. Allele origin: de novo. Affected: yes. Not counted in ClinVar's aggregate classification.

Literature cited by the submitters: PubMed 32707087 (cited by OMIM).